The following is an entry in ClinVar:

NM_001367721.1(CASK):c.2318-11C>A

Gene: CASK (calcium/calmodulin dependent serine protein kinase; minus strand). Cytogenetic location: Xp11.4.
Variant type: single nucleotide variant.
Coding change: c.2318-11C>A on transcript NM_001367721.1 (MANE Select); 11 bases into the intron before coding-DNA position 2318, C replaced by A.
Molecular consequence: intron variant.
Genome position (GRCh38, 1-based): chrX:41,531,220, G>T on the plus strand (C>A on the coding strand, the complement: CASK is on the minus strand). VCF-style: chrX-41531220-G-T. GRCh37 (hg19) VCF-style: chrX-41390473-G-T.
Other names: c.2231-11C>A (NM_001126055.3); c.2300-11C>A (NM_001410745.1); c.2234-11C>A (NM_001126054.3); c.2303-11C>A (NM_003688.4).
Identifiers: ClinVar variation 3727093 (VCV003727093.2).

ClinVar aggregate classification (germline): Uncertain significance (1 of 4 stars; one submission).

Conditions:
Intellectual disability, CASK-related, X-linked. Identifiers: MedGen CN043158.

Submission:

Labcorp Genetics (formerly Invitae), Labcorp
Classification: Uncertain significance for Intellectual disability, CASK-related, X-linked. Last evaluated: 2024-12-12. Review status: criteria provided, single submitter. Criteria: Invitae Variant Classification Sherloc (09022015). Collection method: clinical testing. Allele origin: germline.
Comment: This sequence change falls in intron 24 of the CASK gene. It does not directly change the encoded amino acid sequence of the CASK protein. This variant is not present in population databases (gnomAD no frequency). This variant has not been reported in the literature in individuals affected with CASK-related conditions. Algorithms developed to predict the effect of sequence changes on RNA splicing suggest that this variant may disrupt the consensus splice site. In summary, the available evidence is currently insufficient to determine the role of this variant in disease. Therefore, it has been classified as a Variant of Uncertain Significance.